The following is an entry in ClinVar:

NM_020937.4(FANCM):c.5026G>C (p.Glu1676Gln)

Gene: FANCM (FA complementation group M; plus strand). Cytogenetic location: 14q21.2.
Variant type: single nucleotide variant.
Coding change: c.5026G>C on transcript NM_020937.4 (MANE Select); coding-DNA position 5026, G replaced by C.
Protein change: p.Glu1676Gln; replaces glutamic acid 1676 with glutamine.
Molecular consequence: missense variant.
Genome position (GRCh38, 1-based): chr14:45,189,048, G>C. VCF-style: chr14-45189048-G-C. GRCh37 (hg19) VCF-style: chr14-45658251-G-C.
Other names: c.4948G>C, p.Glu1650Gln (NM_001308133.2); short protein forms E1650Q, E1676Q.
Identifiers: ClinVar variation 3848522 (VCV003848522.1).
Genomic context (GRCh38, chr14:45,189,048, plus strand): 5'-AATTGTGCACATTCAAAAAAGAAATTATCCAGAATTATTTTACCAGATGATTCAAGTGAG[G>C]AGGAGAACAATGTAAATGATAAAAGAGAATCTAATATTGCGGTTAACCCAAGCACTGTTA-3'
Protein context (NP_065988.1, residues 1666-1686): RIILPDDSSE[Glu1676Gln]ENNVNDKRES

ClinVar aggregate classification (germline): Uncertain significance (1 of 4 stars; one submission).

Conditions:
Inborn genetic diseases. Identifiers: MedGen C0950123, MeSH D030342.

gnomAD v4.1: 3 of 1,614,060 alleles (0.00019%); highest among the groups gnomAD compares: Non-Finnish European, 0.00025%; no homozygotes.

Submission:

Ambry Genetics
Classification: Uncertain significance for Inborn genetic diseases. Last evaluated: 2024-12-20. Review status: criteria provided, single submitter. Criteria: Ambry Variant Classification Scheme 2023. Collection method: clinical testing. Allele origin: germline.
Comment: The p.E1676Q variant (also known as c.5026G>C), located in coding exon 20 of the FANCM gene, results from a G to C substitution at nucleotide position 5026. The glutamic acid at codon 1676 is replaced by glutamine, an amino acid with highly similar properties. This amino acid position is conserved. In addition, this alteration is predicted to be tolerated by in silico analysis. Based on the available evidence, the clinical significance of this variant remains unclear.